The following is an entry in ClinVar:

NM_138927.4(SON):c.3400G>A (p.Asp1134Asn)

Gene: SON (SON DNA and RNA binding protein; plus strand). Cytogenetic location: 21q22.11.
Variant type: single nucleotide variant.
Coding change: c.3400G>A on transcript NM_138927.4 (MANE Select); coding-DNA position 3400, G replaced by A.
Protein change: p.Asp1134Asn; replaces aspartic acid 1134 with asparagine.
Molecular consequence: missense variant. On other transcripts: non-coding transcript variant (1), intron variant (1).
Genome position (GRCh38, 1-based): chr21:33,552,631, G>A. VCF-style: chr21-33552631-G-A. GRCh37 (hg19) VCF-style: chr21-34924937-G-A.
Other names: c.3400G>A, p.Asp1134Asn (NM_001291411.2, NM_032195.3); c.245-4525G>A (NM_001291412.3); short protein forms D1134N.
Identifiers: ClinVar variation 4695021 (VCV004695021.1).
Genomic context (GRCh38, chr21:33,552,631, plus strand): 5'-ATGATGTCATCTTATACTGCTGATCGTTCAATGATGTCTATGGCTGCTGATTCTTACACC[G>A]ATTCTTACACTGACACATATACAGAGGCATATATGGTGCCACCTTTGCCTCCTGAAGAGC-3'
Protein context (NP_620305.3, residues 1124-1144): MMSMAADSYT[Asp1134Asn]SYTDTYTEAY

ClinVar aggregate classification (germline): Uncertain significance (1 of 4 stars; one submission).

gnomAD v4.1: 8 of 1,613,902 alleles (0.0005%); highest among the groups gnomAD compares: East Asian, 0.0022%; no homozygotes.

Submission:

Labcorp Genetics (formerly Invitae), Labcorp
Classification: Uncertain significance. Last evaluated: 2026-02-03. Review status: criteria provided, single submitter. Criteria: Invitae Variant Classification Sherloc (09022015). Collection method: clinical testing. Allele origin: germline.
Comment: This sequence change replaces aspartic acid, which is acidic and polar, with asparagine, which is neutral and polar, at codon 1134 of the SON protein (p.Asp1134Asn). This variant is present in population databases (rs749661093, gnomAD 0.003%). This variant has not been reported in the literature in individuals affected with SON-related conditions. An algorithm developed to predict the effect of missense changes on protein structure and function (PolyPhen-2) suggests that this variant is likely to be disruptive. In summary, the available evidence is currently insufficient to determine the role of this variant in disease. Therefore, it has been classified as a Variant of Uncertain Significance.